The following is an entry in ClinVar:

ClinVar aggregate classification (germline): Uncertain significance (1 of 4 stars; one submission).

Conditions:
Hypertrophic cardiomyopathy. Also called: HYPERTROPHIC MYOCARDIOPATHY. Identifiers: Orphanet 217569, MedGen C0007194, MeSH D002312, MONDO:0005045, HP:0001639.

Allele frequency attached by ClinVar (database versions not stated): gnomAD 0.00001.
gnomAD v4.1: 1 of 1,612,242 alleles (0.000062%); highest among the groups gnomAD compares: Non-Finnish European, 0.000085%; no homozygotes.

Submission:

Labcorp Genetics (formerly Invitae), Labcorp
Classification: Uncertain significance for Hypertrophic cardiomyopathy. Last evaluated: 2022-07-06. Review status: criteria provided, single submitter. Criteria: Invitae Variant Classification Sherloc (09022015). Collection method: clinical testing. Allele origin: germline.
Comment: This variant has not been reported in the literature in individuals affected with MYBPC3-related conditions. This variant is not present in population databases (gnomAD no frequency). This sequence change replaces tyrosine, which is neutral and polar, with serine, which is neutral and polar, at codon 1172 of the MYBPC3 protein (p.Tyr1172Ser). ClinVar contains an entry for this variant (Variation ID: 1026549). In summary, the available evidence is currently insufficient to determine the role of this variant in disease. Therefore, it has been classified as a Variant of Uncertain Significance. Algorithms developed to predict the effect of missense changes on protein structure and function (SIFT, PolyPhen-2, Align-GVGD) all suggest that this variant is likely to be disruptive.

NM_000256.3(MYBPC3):c.3515A>C (p.Tyr1172Ser)

Gene: MYBPC3 (myosin binding protein C3; minus strand). Cytogenetic location: 11p11.2.
Variant type: single nucleotide variant.
Coding change: c.3515A>C on transcript NM_000256.3 (MANE Select); coding-DNA position 3515, A replaced by C.
Protein change: p.Tyr1172Ser; replaces tyrosine 1172 with serine.
Molecular consequence: missense variant.
Genome position (GRCh38, 1-based): chr11:47,332,678, T>G on the plus strand (A>C on the coding strand, the complement: MYBPC3 is on the minus strand). VCF-style: chr11-47332678-T-G. GRCh37 (hg19) VCF-style: chr11-47354229-T-G.
Other names: short protein forms Y1172S.
Identifiers: ClinVar variation 1026549 (VCV001026549.8), dbSNP rs1214081908, ClinGen allele CA380312798.